The following is an entry in ClinVar:

NM_001267550.2(TTN):c.82186_82187delinsGT (p.Gln27396Val)

Genes: TTN (titin; minus strand), TTN-AS1 (TTN antisense RNA 1; plus strand). Cytogenetic location: 2q31.2.
Variant type: Indel.
Coding change: c.82186_82187delinsGT on transcript NM_001267550.2 (MANE Select); coding-DNA positions 82186 to 82187, CA replaced by GT.
Protein change: p.Gln27396Val; replaces glutamine 27396 with valine.
Molecular consequence: missense variant.
Genome position (GRCh38, 1-based): chr2:178,563,945-178,563,946, TG replaced by AC on the plus strand (CA replaced by GT on the coding strand, the reverse complement: TTN is on the minus strand). VCF-style: chr2-178563945-TG-AC. GRCh37 (hg19) VCF-style: chr2-179428672-TG-AC.
Other names: c.77263_77264delinsGT, p.Gln25755Val (NM_001256850.1); c.54991_54992delinsGT, p.Gln18331Val (NM_003319.4); c.74482_74483delinsGT, p.Gln24828Val (NM_133378.4); c.55366_55367delinsGT, p.Gln18456Val (NM_133432.3); c.55567_55568delinsGT, p.Gln18523Val (NM_133437.4); c.77263_77264delCAinsGT (NM_001256850.1); short protein forms Q18331V, Q18456V, Q18523V, Q24828V, Q25755V, Q27396V.
Identifiers: ClinVar variation 1201619 (VCV001201619.4), dbSNP rs2154161773, ClinGen allele CA2499215349.
Genomic context (GRCh38, chr2:178,563,945, plus strand): 5'-GAGAGTCGGCTTGTCTCCCTCTTTTCAATGATGTAATGTGAAATATTAGCACCACCATCT[TG>AC]CAAAGGTGGGTTCCATGCCAGGTAACATTTTTCCGCAGTAACTCCAGTAACTTTCAGAGG-3'
Protein context (NP_001254479.2, residues 27386-27406): KCYLAWNPPL[Gln27396Val]DGGANISHYI

ClinVar aggregate classification (germline): Conflicting classifications of pathogenicity. Review status: criteria provided, conflicting classifications (1 of 4 stars). 2 submissions from 2 submitters: Uncertain significance (1); Likely benign (1). Last evaluated 2024-02-02.

Conditions:
Myopathy, myofibrillar, 9, with early respiratory failure (MFM9). Also called: EDSTROM MYOPATHY; MYOPATHY, PROXIMAL, WITH EARLY RESPIRATORY MUSCLE INVOLVEMENT; Hereditary myopathy with early respiratory failure; Myopathy, distal, with early respiratory failure, autosomal dominant. Identifiers: Orphanet 178464, Orphanet 34521, MedGen C1863599, MONDO:0011362, OMIM 603689.
Hypertrophic cardiomyopathy 9. Also called: Familial hypertrophic cardiomyopathy 9. Identifiers: MedGen C1861065, MONDO:0013412, OMIM 613765.
Dilated cardiomyopathy 1G (CMD1G). Identifiers: Orphanet 154, MedGen C1858763, MONDO:0011400, OMIM 604145.
Tibial muscular dystrophy (TMD). Also called: Udd Distal Myopathy – Tibial Muscular Dystrophy; UDD MYOPATHY; Tibial muscular dystrophy, tardive. Identifiers: Orphanet 609, MedGen C1838244, MONDO:0010870, OMIM 600334.
Early-onset myopathy with fatal cardiomyopathy (CMYO5). Also called: Salih Myopathy; CONGENITAL MYOPATHY 5 WITH CARDIOMYOPATHY. Identifiers: Orphanet 289377, MedGen C2673677, MONDO:0012714, OMIM 611705. Disease mechanism: loss of function.
Autosomal recessive limb-girdle muscular dystrophy type 2J (LGMDR10). Also called: Limb-girdle muscular dystrophy, type 2J; MUSCULAR DYSTROPHY, LIMB-GIRDLE, AUTOSOMAL RECESSIVE 10. Identifiers: Orphanet 140922, MedGen C1837342, MONDO:0012127, OMIM 608807.

Submissions (2):

Fulgent Genetics
Classification: Uncertain significance for Tibial muscular dystrophy; Myopathy, myofibrillar, 9, with early respiratory failure; Dilated cardiomyopathy 1G; Autosomal recessive limb-girdle muscular dystrophy type 2J; Early-onset myopathy with fatal cardiomyopathy; Hypertrophic cardiomyopathy 9. Last evaluated: 2024-02-02. Review status: criteria provided, single submitter. Criteria: ACMG Guidelines, 2015. Collection method: clinical testing. Allele origin: germline.

GeneDx
Classification: Likely benign. Last evaluated: 2018-09-24. Review status: criteria provided, single submitter. Criteria: GeneDx Variant Classification Process June 2021. Collection method: clinical testing. Allele origin: germline. Affected: yes.
Comment: This variant is associated with the following publications: (PMID: 27321809)